The following is an entry in ClinVar:

ClinVar aggregate classification (germline): Uncertain significance (1 of 4 stars; one submission).

Submission:

Labcorp Genetics (formerly Invitae), Labcorp
Classification: Uncertain significance. Last evaluated: 2024-01-25. Review status: criteria provided, single submitter. Criteria: Invitae Variant Classification Sherloc (09022015). Collection method: clinical testing. Allele origin: germline.
Comment: A copy number gain of the genomic region encompassing the full coding sequence of the OR2W3 gene has been identified. The boundaries of this event are unknown as they extend beyond the assayed region for this gene and therefore may encompass additional genes. As the precise location of this event is unknown, it may be in tandem or it may be located elsewhere in the genome. This variant has not been reported in the literature in individuals affected with OR2W3-related conditions. Experimental studies and prediction algorithms are not available or were not evaluated, and the functional significance of this variant is currently unknown. In summary, the available evidence is currently insufficient to determine the role of this variant in disease. Therefore, it has been classified as a Variant of Uncertain Significance.

NC_000001.10:g.(?_248058889)_(248059833_?)dup

Gene: OR2W3 (olfactory receptor family 2 subfamily W member 3; plus strand). Cytogenetic location: 1q44.
Variant type: Duplication.
Identifiers: ClinVar variation 1373348 (VCV001373348.5).